The following is an entry in ClinVar:

NM_031407.7(HUWE1):c.5167C>A (p.Pro1723Thr)

Gene: HUWE1 (HECT, UBA and WWE domain containing E3 ubiquitin protein ligase 1; minus strand). Cytogenetic location: Xp11.22.
Variant type: single nucleotide variant.
Coding change: c.5167C>A on transcript NM_031407.7 (MANE Select); coding-DNA position 5167, C replaced by A.
Protein change: p.Pro1723Thr; replaces proline 1723 with threonine.
Molecular consequence: missense variant.
Genome position (GRCh38, 1-based): chrX:53,583,911, G>T on the plus strand (C>A on the coding strand, the complement: HUWE1 is on the minus strand). VCF-style: chrX-53583911-G-T. GRCh37 (hg19) VCF-style: chrX-53610871-G-T.
Other names: c.5167C>A (NM_031407.4); short protein forms P1723T.
Identifiers: ClinVar variation 1705719 (VCV001705719.6), dbSNP rs1478606307, ClinGen allele CA413174451.
Genomic context (GRCh38, chrX:53,583,911, plus strand): 5'-CGATTTTTGTTTCCTCCAGGCTTGTCTCCTTTTCAGTGTTTGTACTCTCTAGGGCCAAAG[G>T]GGTATCTATAAAATGGGAAAATAACAGTTTTAGACAGTTTAACTTGATGTTTATTTCCTC-3'
Protein context (NP_113584.3, residues 1713-1733): KRKENKGNDT[Pro1723Thr]LALESTNTEK

ClinVar aggregate classification (germline): Uncertain significance. Review status: criteria provided, multiple submitters, no conflicts (2 of 4 stars). 3 submissions from 3 submitters: Uncertain significance (3). Last evaluated 2025-11-13.

Conditions:
Intellectual developmental disorder, X-linked, syndromic, Turner type. Also called: X-linked intellectual disability, Turner type; Intellectual disability, X-linked syndromic, Turner type. Identifiers: Orphanet 3056, Orphanet 85328, MedGen C2678046, MONDO:0010407, OMIM 309590.

Allele frequency attached by ClinVar (database versions not stated): TOPMed below 0.00001; gnomAD 0.00004.
gnomAD v4.1: 6 of 1,180,334 alleles (0.00051%); highest among the groups gnomAD compares: Admixed American, 0.0088%; no homozygotes.

Submissions (3):

GeneDx
Classification: Uncertain significance. Last evaluated: 2025-11-13. Review status: criteria provided, single submitter. Criteria: GeneDx Variant Classification Process June 2021. Collection method: clinical testing. Allele origin: germline.
Comment: Has not been previously published as pathogenic or benign to our knowledge; Not observed at significant frequency in large population cohorts (gnomAD); In silico analysis indicates that this missense variant does not alter protein structure/function

Labcorp Genetics (formerly Invitae), Labcorp
Classification: Uncertain significance. Last evaluated: 2024-05-06. Review status: criteria provided, single submitter. Criteria: Invitae Variant Classification Sherloc (09022015). Collection method: clinical testing. Allele origin: germline.
Comment: This sequence change replaces proline, which is neutral and non-polar, with threonine, which is neutral and polar, at codon 1723 of the HUWE1 protein (p.Pro1723Thr). This variant is not present in population databases (gnomAD no frequency). This variant has not been reported in the literature in individuals affected with HUWE1-related conditions. ClinVar contains an entry for this variant (Variation ID: 1705719). Advanced modeling of protein sequence and biophysical properties (such as structural, functional, and spatial information, amino acid conservation, physicochemical variation, residue mobility, and thermodynamic stability) performed at Invitae indicates that this missense variant is not expected to disrupt HUWE1 protein function with a negative predictive value of 95%. In summary, the available evidence is currently insufficient to determine the role of this variant in disease. Therefore, it has been classified as a Variant of Uncertain Significance.

3billion
Classification: Uncertain significance for Intellectual developmental disorder, X-linked, syndromic, Turner type. Last evaluated: 2022-09-01. Review status: criteria provided, single submitter. Criteria: ACMG Guidelines, 2015. Collection method: clinical testing. Allele origin: germline. Affected: yes. Observed: 1 hemizygote.
Comment: The variant is not observed in the gnomAD v2.1.1 dataset. Missense changes are a common disease-causing mechanism. The evidence of pathogenicity is insufficient at this time. Therefore, this variant is classified as uncertain significance according to the recommendation of ACMG/AMP guideline.